The following is an entry in ClinVar:

NM_000052.7(ATP7A):c.3184C>G (p.Leu1062Val)

Gene: ATP7A (ATPase copper transporting alpha; plus strand). Cytogenetic location: Xq21.1.
Variant type: single nucleotide variant.
Coding change: c.3184C>G on transcript NM_000052.7 (MANE Select); coding-DNA position 3184, C replaced by G.
Protein change: p.Leu1062Val; replaces leucine 1062 with valine.
Molecular consequence: missense variant. On other transcripts: non-coding transcript variant (1).
Genome position (GRCh38, 1-based): chrX:78,031,472, C>G. VCF-style: chrX-78031472-C-G. GRCh37 (hg19) VCF-style: chrX-77286970-C-G.
Other names: c.2950C>G, p.Leu984Val (NM_001282224.2); short protein forms L984V, L1062V.
Identifiers: ClinVar variation 2929032 (VCV002929032.3), dbSNP rs1277842658, ClinGen allele CA413603580.

ClinVar aggregate classification (germline): Uncertain significance (1 of 4 stars; one submission).

Conditions:
Menkes kinky-hair syndrome (MNK). Also called: Copper transport disease; Menkes Disease; Classic Menkes Disease. Identifiers: Orphanet 565, MedGen C0022716, MONDO:0010651, OMIM 309400.
Cutis laxa, X-linked (OHS). Also called: EDS IX; Occipital horn syndrome. Identifiers: Orphanet 198, MedGen C0268353, MONDO:0010572, OMIM 304150.
X-linked distal spinal muscular atrophy type 3. Also called: ATP7A-Related Distal Motor Neuropathy; SPINAL MUSCULAR ATROPHY, DISTAL, X-LINKED RECESSIVE; NEURONOPATHY, DISTAL HEREDITARY MOTOR, X-LINKED; NEUROPATHY, DISTAL HEREDITARY MOTOR, X-LINKED. Identifiers: Orphanet 139557, MedGen C1845359, MONDO:0010338, OMIM 300489.

Allele frequency attached by ClinVar (database versions not stated): TOPMed 0.00001.

Submission:

Labcorp Genetics (formerly Invitae), Labcorp
Classification: Uncertain significance for X-linked distal spinal muscular atrophy type 3; Cutis laxa, X-linked; Menkes kinky-hair syndrome. Last evaluated: 2023-06-15. Review status: criteria provided, single submitter. Criteria: Invitae Variant Classification Sherloc (09022015). Collection method: clinical testing. Allele origin: germline.
Comment: In summary, the available evidence is currently insufficient to determine the role of this variant in disease. Therefore, it has been classified as a Variant of Uncertain Significance. Advanced modeling of protein sequence and biophysical properties (such as structural, functional, and spatial information, amino acid conservation, physicochemical variation, residue mobility, and thermodynamic stability) performed at Invitae indicates that this missense variant is not expected to disrupt ATP7A protein function. This variant has not been reported in the literature in individuals affected with ATP7A-related conditions. This variant is not present in population databases (gnomAD no frequency). This sequence change replaces leucine, which is neutral and non-polar, with valine, which is neutral and non-polar, at codon 1062 of the ATP7A protein (p.Leu1062Val).